The following is an entry in ClinVar:

ClinVar aggregate classification (germline): Pathogenic. Review status: criteria provided, multiple submitters, no conflicts (2 of 4 stars). 2 submissions from 2 submitters: Pathogenic (2). Last evaluated 2020-01-20.

Conditions:
Osteogenesis imperfecta type I (OI1). Also called: Lobstein's Disease; Classic Non-deforming Osteogenesis Imperfecta with Blue Sclerae; OI, TYPE I; OSTEOGENESIS IMPERFECTA TARDA; OSTEOGENESIS IMPERFECTA WITH BLUE SCLERAE; Lobstein disease. Identifiers: Orphanet 216796, Orphanet 666, MedGen C0023931, MONDO:0008146, OMIM 166200. Disease mechanism: loss of function.

Submissions (2):

Labcorp Genetics (formerly Invitae), Labcorp
Classification: Pathogenic for Osteogenesis imperfecta type I. Last evaluated: 2020-01-20. Review status: criteria provided, single submitter. Criteria: Invitae Variant Classification Sherloc (09022015). Collection method: clinical testing. Allele origin: germline.
Comment: For these reasons, this variant has been classified as Pathogenic. Loss-of-function variants in COL1A1 are known to be pathogenic (PMID: 7942841, 9295084, 9443882). This variant has not been reported in the literature in individuals with COL1A1-related conditions. ClinVar contains an entry for this variant (Variation ID: 439503). This variant is not present in population databases (ExAC no frequency). This sequence change creates a premature translational stop signal (p.Arg574Valfs*6) in the COL1A1 gene. It is expected to result in an absent or disrupted protein product.

ARUP Laboratories, Molecular Genetics and Genomics, ARUP Laboratories
Classification: Pathogenic. Last evaluated: 2017-03-16. Review status: criteria provided, single submitter. Criteria: ARUP Molecular Germline Variant Investigation Process. Collection method: clinical testing. Allele origin: germline.

Literature cited by the submitters: PubMed 7942841 (cited by Labcorp Genetics (formerly Invitae), Labcorp); PubMed 9295084 (cited by Labcorp Genetics (formerly Invitae), Labcorp); PubMed 9443882 (cited by Labcorp Genetics (formerly Invitae), Labcorp).

NM_000088.4(COL1A1):c.1720del (p.Arg574fs)

Gene: COL1A1 (collagen type I alpha 1 chain; minus strand). Cytogenetic location: 17q21.33.
Variant type: Deletion.
Coding change: c.1720del on transcript NM_000088.4 (MANE Select); coding-DNA position 1720, one base deleted (C; older notation c.1720delC).
Protein change: p.Arg574fs; shifts the reading frame from arginine 574.
Molecular consequence: frameshift variant.
Genome position (GRCh38, 1-based): chr17:50,193,990, G deleted on the plus strand (C on the coding strand, the reverse complement: COL1A1 is on the minus strand); the first of 3 consecutive G bases (chr17:50,193,990-50,193,992); deleting any one gives the same sequence. VCF-style (leftmost placement, unchanged base first): chr17-50193989-CG-C. GRCh37 (hg19) VCF-style: chr17-48271350-CG-C.
Other names: c.1720delC (NM_000088.3); short protein forms R574fs.
Identifiers: ClinVar variation 439503 (VCV000439503.15), dbSNP rs1555573621, ClinGen allele CA645509527.